The following is an entry in ClinVar:

ClinVar aggregate classification (germline): Uncertain significance. Review status: criteria provided, multiple submitters, no conflicts (2 of 4 stars). 2 submissions from 2 submitters: Uncertain significance (2). Last evaluated 2025-10-02.

Conditions:
Cardiovascular phenotype. Identifiers: MedGen CN230736.
Dilated cardiomyopathy 1KK (CMD1KK). Identifiers: Orphanet 154, Orphanet 75249, MedGen C3714995, MONDO:0014100, OMIM 615248.

Allele frequency attached by ClinVar (database versions not stated): TOPMed below 0.00001; ExAC 0.00001; gnomAD 0.00001; gnomAD exomes 0.00001; 1000 Genomes Project 30x 0.00016; 1000 Genomes Project 0.00020.
gnomAD v4.1: 11 of 1,614,204 alleles (0.00068%); highest among the groups gnomAD compares: Middle Eastern, 0.033%; no homozygotes.

Submissions (2):

Labcorp Genetics (formerly Invitae), Labcorp
Classification: Uncertain significance for Dilated cardiomyopathy 1KK. Last evaluated: 2025-10-02. Review status: criteria provided, single submitter. Criteria: Invitae Variant Classification Sherloc (09022015). Collection method: clinical testing. Allele origin: germline.
Comment: This sequence change replaces serine, which is neutral and polar, with phenylalanine, which is neutral and non-polar, at codon 38 of the MYPN protein (p.Ser38Phe). This variant is present in population databases (rs549116983, gnomAD 0.007%). This variant has not been reported in the literature in individuals affected with MYPN-related conditions. ClinVar contains an entry for this variant (Variation ID: 1395205). An algorithm developed to predict the effect of missense changes on protein structure and function (PolyPhen-2) suggests that this variant is likely to be disruptive. In summary, the available evidence is currently insufficient to determine the role of this variant in disease. Therefore, it has been classified as a Variant of Uncertain Significance.

Ambry Genetics
Classification: Uncertain significance for Cardiovascular phenotype. Last evaluated: 2025-08-24. Review status: criteria provided, single submitter. Criteria: Ambry Variant Classification Scheme 2023. Collection method: clinical testing. Allele origin: germline.
Comment: The p.S38F variant (also known as c.113C>T), located in coding exon 1 of the MYPN gene, results from a C to T substitution at nucleotide position 113. The serine at codon 38 is replaced by phenylalanine, an amino acid with highly dissimilar properties. This amino acid position is conserved. In addition, this alteration is predicted to be tolerated by in silico analysis. Based on the available evidence, the clinical significance of this variant remains unclear.

NM_032578.4(MYPN):c.113C>T (p.Ser38Phe)

Gene: MYPN (myopalladin; plus strand). Cytogenetic location: 10q21.3.
Variant type: single nucleotide variant.
Coding change: c.113C>T on transcript NM_032578.4 (MANE Select); coding-DNA position 113, C replaced by T.
Protein change: p.Ser38Phe; replaces serine 38 with phenylalanine.
Molecular consequence: missense variant. On other transcripts: 5 prime UTR variant (1), non-coding transcript variant (1).
Genome position (GRCh38, 1-based): chr10:68,121,551, C>T. VCF-style: chr10-68121551-C-T. GRCh37 (hg19) VCF-style: chr10-69881308-C-T.
Other names: c.113C>T, p.Ser38Phe (NM_001256267.2); c.-1010C>T (NM_001256268.2); c.113C>T (NM_032578.2); short protein forms S38F.
Identifiers: ClinVar variation 1395205 (VCV001395205.7), dbSNP rs549116983, ClinGen allele CA5522228.